The following is an entry in ClinVar:

ClinVar aggregate classification (germline): Uncertain significance (1 of 4 stars; one submission).

Conditions:
Myofibrillar myopathy 6. Identifiers: Orphanet 199340, MedGen C2751831, MONDO:0013061, OMIM 612954.
Dilated cardiomyopathy 1HH (CMD1HH). Identifiers: Orphanet 154, MedGen C3151293, MONDO:0013479, OMIM 613881.

Submission:

Labcorp Genetics (formerly Invitae), Labcorp
Classification: Uncertain significance for Dilated cardiomyopathy 1HH; Myofibrillar myopathy 6. Last evaluated: 2023-09-19. Review status: criteria provided, single submitter. Criteria: Invitae Variant Classification Sherloc (09022015). Collection method: clinical testing. Allele origin: germline.
Comment: In summary, the available evidence is currently insufficient to determine the role of this variant in disease. Therefore, it has been classified as a Variant of Uncertain Significance. Advanced modeling of protein sequence and biophysical properties (such as structural, functional, and spatial information, amino acid conservation, physicochemical variation, residue mobility, and thermodynamic stability) performed at Invitae indicates that this missense variant is not expected to disrupt BAG3 protein function. This variant has not been reported in the literature in individuals affected with BAG3-related conditions. This variant is not present in population databases (gnomAD no frequency). This sequence change replaces valine, which is neutral and non-polar, with glycine, which is neutral and non-polar, at codon 295 of the BAG3 protein (p.Val295Gly).

NM_004281.4(BAG3):c.884T>G (p.Val295Gly)

Gene: BAG3 (BAG cochaperone 3; plus strand). Cytogenetic location: 10q26.11.
Variant type: single nucleotide variant.
Coding change: c.884T>G on transcript NM_004281.4 (MANE Select); coding-DNA position 884, T replaced by G.
Protein change: p.Val295Gly; replaces valine 295 with glycine.
Molecular consequence: missense variant.
Genome position (GRCh38, 1-based): chr10:119,672,631, T>G. VCF-style: chr10-119672631-T-G. GRCh37 (hg19) VCF-style: chr10-121432143-T-G.
Other names: short protein forms V295G.
Identifiers: ClinVar variation 2927467 (VCV002927467.3), dbSNP rs2494014820, ClinGen allele CA378296071.
Genomic context (GRCh38, chr10:119,672,631, plus strand): 5'-GCCGGGAGGGCTCACCAGCCAGGAGCAGCACGCCACTCCACTCCCCCTCGCCCATCCGTG[T>G]GCACACCGTGGTCGACAGGCCTCAGGTACGGGAAGTTAGTCGTCAGCAGACTGGTTATGG-3'
Protein context (NP_004272.2, residues 285-305): TPLHSPSPIR[Val295Gly]HTVVDRPQQP